The following is an entry in ClinVar:

NM_177438.3(DICER1):c.4876G>A (p.Val1626Met)

Gene: DICER1 (dicer 1, ribonuclease III; minus strand). Cytogenetic location: 14q32.13.
Variant type: single nucleotide variant.
Coding change: c.4876G>A on transcript NM_177438.3 (MANE Select); coding-DNA position 4876, G replaced by A.
Protein change: p.Val1626Met; replaces valine 1626 with methionine.
Molecular consequence: missense variant.
Genome position (GRCh38, 1-based): chr14:95,096,044, C>T on the plus strand (G>A on the coding strand, the complement: DICER1 is on the minus strand). VCF-style: chr14-95096044-C-T. GRCh37 (hg19) VCF-style: chr14-95562381-C-T.
Other names: c.4876G>A, p.Val1626Met (NM_001195573.1, NM_001271282.3, NM_001291628.2 and 1 more transcripts); short protein forms V1626M.
Identifiers: ClinVar variation 483461 (VCV000483461.10), dbSNP rs1555367589, ClinGen allele CA390866568.

ClinVar aggregate classification (germline): Uncertain significance. Review status: criteria provided, multiple submitters, no conflicts (2 of 4 stars). 2 submissions from 2 submitters: Uncertain significance (2). Last evaluated 2021-10-08.

Conditions:
Hereditary cancer-predisposing syndrome. Also called: Hereditary neoplastic syndrome; Neoplastic Syndromes, Hereditary; Tumor predisposition; Hereditary Cancer Syndrome. Identifiers: Orphanet 140162, MedGen C0027672, MeSH D009386, MONDO:0015356.
DICER1-related tumor predisposition. Also called: DICER1-related pleuropulmonary blastoma cancer predisposition syndrome; DICER1 syndrome. Identifiers: Orphanet 284343, MedGen C3839822, MONDO:0100216.

Submissions (2):

Labcorp Genetics (formerly Invitae), Labcorp
Classification: Uncertain significance for DICER1-related tumor predisposition. Last evaluated: 2021-10-08. Review status: criteria provided, single submitter. Criteria: Invitae Variant Classification Sherloc (09022015). Collection method: clinical testing. Allele origin: germline.
Comment: This sequence change replaces valine with methionine at codon 1626 of the DICER1 protein (p.Val1626Met). The valine residue is weakly conserved and there is a small physicochemical difference between valine and methionine. This variant is not present in population databases (ExAC no frequency). This variant has not been reported in the literature in individuals affected with DICER1-related conditions. ClinVar contains an entry for this variant (Variation ID: 483461). Algorithms developed to predict the effect of missense changes on protein structure and function output the following: SIFT: "Tolerated"; PolyPhen-2: "Benign"; Align-GVGD: "Class C0". The methionine amino acid residue is found in multiple mammalian species, which suggests that this missense change does not adversely affect protein function. In summary, the available evidence is currently insufficient to determine the role of this variant in disease. Therefore, it has been classified as a Variant of Uncertain Significance.

Ambry Genetics
Classification: Uncertain significance for Hereditary cancer-predisposing syndrome. Last evaluated: 2017-08-21. Review status: criteria provided, single submitter. Criteria: Ambry Variant Classification Scheme 2023. Collection method: clinical testing. Allele origin: germline.
Comment: The p.V1626M variant (also known as c.4876G>A), located in coding exon 22 of the DICER1 gene, results from a G to A substitution at nucleotide position 4876. The valine at codon 1626 is replaced by methionine, an amino acid with highly similar properties. This amino acid position is poorly conserved in available vertebrate species. In addition, this alteration is predicted to be tolerated by in silico analysis. Since supporting evidence is limited at this time, the clinical significance of this alteration remains unclear.